The following is an entry in ClinVar:

ClinVar aggregate classification (germline): Uncertain significance (1 of 4 stars; one submission).

gnomAD v4.1: 2 of 1,614,062 alleles (0.00012%); highest among the groups gnomAD compares: Admixed American, 0.0017%; no homozygotes.

Submission:

Labcorp Genetics (formerly Invitae), Labcorp
Classification: Uncertain significance. Last evaluated: 2025-09-28. Review status: criteria provided, single submitter. Criteria: Invitae Variant Classification Sherloc (09022015). Collection method: clinical testing. Allele origin: germline.
Comment: This sequence change replaces proline, which is neutral and non-polar, with leucine, which is neutral and non-polar, at codon 44 of the MAP3K8 protein (p.Pro44Leu). This variant is present in population databases (no rsID available, gnomAD 0.003%). This variant has not been reported in the literature in individuals affected with MAP3K8-related conditions. An algorithm developed to predict the effect of missense changes on protein structure and function (PolyPhen-2) suggests that this variant is likely to be tolerated. In summary, the available evidence is currently insufficient to determine the role of this variant in disease. Therefore, it has been classified as a Variant of Uncertain Significance.

NM_005204.4(MAP3K8):c.131C>T (p.Pro44Leu)

Gene: MAP3K8 (mitogen-activated protein kinase kinase kinase 8; plus strand). Cytogenetic location: 10p11.23.
Variant type: single nucleotide variant.
Coding change: c.131C>T on transcript NM_005204.4 (MANE Select); coding-DNA position 131, C replaced by T.
Protein change: p.Pro44Leu; replaces proline 44 with leucine.
Molecular consequence: missense variant.
Genome position (GRCh38, 1-based): chr10:30,439,069, C>T. VCF-style: chr10-30439069-C-T. GRCh37 (hg19) VCF-style: chr10-30727998-C-T.
Other names: c.131C>T, p.Pro44Leu (NM_001244134.1, NM_001320961.2); short protein forms P44L.
Identifiers: ClinVar variation 4695614 (VCV004695614.1).